The following is an entry in ClinVar:

ClinVar aggregate classification (germline): Uncertain significance (1 of 4 stars; one submission).

Conditions:
Cystic fibrosis (CF). Also called: MUCOVISCIDOSIS. Identifiers: Orphanet 586, MedGen C0010674, MONDO:0009061, OMIM 219700. Disease mechanism: loss of function.

Allele frequency attached by ClinVar (database versions not stated): gnomAD exomes below 0.00001.
gnomAD v4.1: 1 of 1,614,104 alleles (0.000062%); highest among the groups gnomAD compares: Non-Finnish European, 0.000085%; no homozygotes.

Submission:

Ambry Genetics
Classification: Uncertain significance for Cystic fibrosis. Last evaluated: 2025-02-06. Review status: criteria provided, single submitter. Criteria: Ambry Variant Classification Scheme 2023. Collection method: clinical testing. Allele origin: germline.
Comment: The p.V208M variant (also known as c.622G>A), located in coding exon 6 of the CFTR gene, results from a G to A substitution at nucleotide position 622. The valine at codon 208 is replaced by methionine, an amino acid with highly similar properties. This amino acid position is well conserved in available vertebrate species. In addition, the in silico prediction for this alteration is inconclusive. Since supporting evidence is limited at this time, the clinical significance of this alteration remains unclear.

NM_000492.4(CFTR):c.622G>A (p.Val208Met)

Gene: CFTR (CF transmembrane conductance regulator; plus strand). Cytogenetic location: 7q31.2.
Variant type: single nucleotide variant.
Coding change: c.622G>A on transcript NM_000492.4 (MANE Select); coding-DNA position 622, G replaced by A.
Protein change: p.Val208Met; replaces valine 208 with methionine.
Molecular consequence: missense variant.
Genome position (GRCh38, 1-based): chr7:117,535,290, G>A. VCF-style: chr7-117535290-G-A. GRCh37 (hg19) VCF-style: chr7-117175344-G-A.
Other names: short protein forms V208M.
Identifiers: ClinVar variation 1752334 (VCV001752334.3), dbSNP rs2485016893, ClinGen allele CA368976856.